The following is an entry in ClinVar:

ClinVar aggregate classification (germline): Uncertain significance (1 of 4 stars; one submission).

Conditions:
Familial myelodysplastic syndrome.

gnomAD v4.1: 1 of 1,613,882 alleles (0.000062%); highest among the groups gnomAD compares: African/African-American, 0.0013%; no homozygotes.

Submission:

St. Jude Molecular Pathology, St. Jude Children's Research Hospital
Classification: Uncertain significance for Familial myelodysplastic syndrome. Last evaluated: 2026-02-11. Review status: criteria provided, single submitter. Criteria: St. Jude Assertion Criteria 2020. Collection method: clinical testing. Allele origin: germline.
Comment: The HLTF NM_003071.4:c.2840A>G change. The HTLF c.2840A>G p.(His947Arg) missense change is absent in gnomAD v2.1.1. The in silico tool REVEL predicts a deleterious effect on protein function, but to our knowledge this prediction has not been confirmed by functional studies. To our knowledge, this variant has not been reported in the literature in individuals with HLTF-related myelodysplastic syndrome. In summary, the evidence currently available is insufficient to determine the clinical significance of this variant. It has therefore been classified as of uncertain significance.

NM_003071.4(HLTF):c.2840A>G (p.His947Arg)

Gene: HLTF (helicase like transcription factor; minus strand). Cytogenetic location: 3q24.
Variant type: single nucleotide variant.
Coding change: c.2840A>G on transcript NM_003071.4 (MANE Select); coding-DNA position 2840, A replaced by G.
Protein change: p.His947Arg; replaces histidine 947 with arginine.
Molecular consequence: missense variant.
Genome position (GRCh38, 1-based): chr3:149,034,955, T>C on the plus strand (A>G on the coding strand, the complement: HLTF is on the minus strand). VCF-style: chr3-149034955-T-C. GRCh37 (hg19) VCF-style: chr3-148752742-T-C.
Other names: c.2837A>G, p.His946Arg (NM_001318934.2); c.2840A>G, p.His947Arg (NM_001318935.2, NM_139048.3); short protein forms H946R, H947R.
Identifiers: ClinVar variation 4813169 (VCV004813169.1).